The following is an entry in ClinVar:

NM_004006.3(DMD):c.650-5T>C

Gene: DMD (dystrophin; minus strand). Cytogenetic location: Xp21.1.
Variant type: single nucleotide variant.
Coding change: c.650-5T>C on transcript NM_004006.3 (MANE Select); 5 bases into the intron before coding-DNA position 650, T replaced by C.
Molecular consequence: intron variant.
Genome position (GRCh38, 1-based): chrX:32,699,298, A>G on the plus strand (T>C on the coding strand, the complement: DMD is on the minus strand). VCF-style: chrX-32699298-A-G. GRCh37 (hg19) VCF-style: chrX-32717415-A-G.
Other names: c.626-5T>C (NM_000109.4); c.638-5T>C (NM_004009.3); c.281-5T>C (NM_004010.3); c.650-5T>C (NM_004006.2).
Identifiers: ClinVar variation 1986422 (VCV001986422.6), dbSNP rs774745372, ClinGen allele CA10380092.

ClinVar aggregate classification (germline): Conflicting classifications of pathogenicity. Review status: criteria provided, conflicting classifications (1 of 4 stars). 2 submissions from 2 submitters: Uncertain significance (1); Likely benign (1). Last evaluated 2025-12-03.

Conditions:
Cardiovascular phenotype. Identifiers: MedGen CN230736.
Duchenne muscular dystrophy (DMD). Also called: MUSCULAR DYSTROPHY, PSEUDOHYPERTROPHIC PROGRESSIVE, DUCHENNE TYPE; Duchenne Muscular Dystrophy (DMD). Identifiers: Orphanet 98896, MedGen C0013264, MONDO:0010679, OMIM 310200.

Allele frequency attached by ClinVar (database versions not stated): gnomAD 0.00002; TOPMed 0.00001; ExAC 0.00002.
gnomAD v4.1: 2 of 1,189,733 alleles (0.00017%); highest among the groups gnomAD compares: African/African-American, 0.0035%; no homozygotes.

Submissions (2):

Labcorp Genetics (formerly Invitae), Labcorp
Classification: Likely benign for Duchenne muscular dystrophy. Last evaluated: 2025-12-03. Review status: criteria provided, single submitter. Criteria: Invitae Variant Classification Sherloc (09022015). Collection method: clinical testing. Allele origin: germline.

Ambry Genetics
Classification: Uncertain significance for Cardiovascular phenotype. Last evaluated: 2023-06-06. Review status: criteria provided, single submitter. Criteria: Ambry Variant Classification Scheme 2023. Collection method: clinical testing. Allele origin: germline.
Comment: The c.650-5T>C intronic variant results from a T to C substitution 5 nucleotides upstream from coding exon 8 in the DMD gene. Based on data from gnomAD, the C allele has an overall frequency of 0.0011% (2/182122) total alleles studied, with no hemizygote(s) observed. The highest observed frequency was 0.0152% (2/13150) of African/African American alleles. This nucleotide position is highly conserved in available vertebrate species. In silico splice site analysis for this alteration is inconclusive. Since supporting evidence is limited at this time, the clinical significance of this alteration remains unclear.